The following is an entry in ClinVar:

ClinVar aggregate classification (germline): Uncertain significance (1 of 4 stars; one submission).

Submission:

GeneDx
Classification: Uncertain significance. Last evaluated: 2019-10-19. Review status: criteria provided, single submitter. Criteria: GeneDx Variant Classification Process June 2021. Collection method: clinical testing. Allele origin: germline. Affected: yes.
Comment: Not observed in large population cohorts (Lek et al., 2016); In silico analysis, which includes protein predictors and evolutionary conservation, supports a deleterious effect; Has not been previously published as pathogenic or benign to our knowledge

NM_001256447.2(BCAP31):c.452T>C (p.Met151Thr)

Gene: BCAP31 (B cell receptor associated protein 31; minus strand). Cytogenetic location: Xq28.
Variant type: single nucleotide variant.
Coding change: c.452T>C on transcript NM_001256447.2 (MANE Select); coding-DNA position 452, T replaced by C.
Protein change: p.Met151Thr; replaces methionine 151 with threonine.
Molecular consequence: missense variant.
Genome position (GRCh38, 1-based): chrX:153,703,984, A>G on the plus strand (T>C on the coding strand, the complement: BCAP31 is on the minus strand). VCF-style: chrX-153703984-A-G. GRCh37 (hg19) VCF-style: chrX-152969439-A-G.
Other names: c.452T>C, p.Met151Thr (NM_001139441.1, NM_005745.8); c.653T>C, p.Met218Thr (NM_001139457.2); short protein forms M151T, M218T.
Identifiers: ClinVar variation 1303405 (VCV001303405.2), dbSNP rs2148371334, ClinGen allele CA415093630.
Genomic context (GRCh38, chrX:153,703,984, plus strand): 5'-GGACGCCCCATGGTGGGTCGGGAAGCTGGGCTCACCTTCTTGAGCTGGTCATTCTCCTCC[A>G]TGTACTTCTTGGCCGCCTCACTAGCACTCTCCGCCTGCTTTTTAAAGGCTTCATTGGAGG-3'
Protein context (NP_001243376.1, residues 141-161): ESASEAAKKY[Met151Thr]EENDQLKKGA